The following is an entry in ClinVar:

ClinVar aggregate classification (germline): Conflicting classifications of pathogenicity. Review status: criteria provided, conflicting classifications (1 of 4 stars). 3 submissions from 3 submitters: Uncertain significance (2); Likely benign (1). Last evaluated 2025-09-10.

Conditions:
Hereditary cancer-predisposing syndrome. Also called: Neoplastic Syndromes, Hereditary; Tumor predisposition; Hereditary neoplastic syndrome; Hereditary Cancer Syndrome. Identifiers: Orphanet 140162, MedGen C0027672, MeSH D009386, MONDO:0015356.
Breast-ovarian cancer, familial, susceptibility to, 1 (BROVCA1). Also called: OVARIAN CANCER, SUSCEPTIBILITY TO; BRCA1 Hereditary Breast and Ovarian Cancer. Identifiers: Orphanet 145, MedGen C2676676, MONDO:0011450, OMIM 604370. Disease mechanism: loss of function.

Allele frequency attached by ClinVar (database versions not stated): ExAC 0.00001; gnomAD 0.00001.
gnomAD v4.1: 1 of 1,613,488 alleles (0.000062%); highest among the groups gnomAD compares: Non-Finnish European, 0.000085%; no homozygotes.

Submissions (3):

Ambry Genetics
Classification: Uncertain significance for Hereditary cancer-predisposing syndrome. Last evaluated: 2025-09-10. Review status: criteria provided, single submitter. Criteria: Ambry Variant Classification Scheme 2023. Collection method: clinical testing. Allele origin: germline.
Comment: The p.A579P variant (also known as c.1735G>C), located in coding exon 9 of the BRCA1 gene, results from a G to C substitution at nucleotide position 1735. The alanine at codon 579 is replaced by proline, an amino acid with highly similar properties. This amino acid position is not well conserved in available vertebrate species. In addition, the in silico prediction for this alteration is inconclusive. Since supporting evidence is limited at this time, the clinical significance of this alteration remains unclear.

All of Us Research Program, National Institutes of Health
Classification: Uncertain significance for Breast-ovarian cancer, familial, susceptibility to, 1. Last evaluated: 2023-04-27. Review status: criteria provided, single submitter. Criteria: ACMG Guidelines, 2015. Collection method: clinical testing. Allele origin: germline. Inheritance: Autosomal dominant inheritance. Observed: 1 variant allele, 1 heterozygote.
Comment: This study involves interpretation of variants in research participants for the purpose of population health screening. Participant phenotype was not available at the time of variant classification. Additional details can be found in publication PMID: 35346344, PMCID: PMC8962531

University of Washington Department of Laboratory Medicine, University of Washington
Classification: Likely benign for Hereditary cancer-predisposing syndrome. Last evaluated: 2023-03-23. Review status: criteria provided, single submitter. Criteria: Dines et al. (Genet Med. 2020). Collection method: curation. Allele origin: germline.
Comment: Missense variant in a coldspot region where missense variants are very unlikely to be pathogenic (PMID:31911673).

BRCA1 coldspot (exon 11 using historical exon numbering). Reclassification based on statistical prior probability

NM_007294.4(BRCA1):c.1735G>C (p.Ala579Pro)

Gene: BRCA1 (BRCA1 DNA repair associated; minus strand). Cytogenetic location: 17q21.31.
Variant type: single nucleotide variant.
Coding change: c.1735G>C on transcript NM_007294.4 (MANE Select); coding-DNA position 1735, G replaced by C.
Protein change: p.Ala579Pro; replaces alanine 579 with proline.
Molecular consequence: missense variant. On other transcripts: intron variant (137).
Genome position (GRCh38, 1-based): chr17:43,093,796, C>G on the plus strand (G>C on the coding strand, the complement: BRCA1 is on the minus strand). VCF-style: chr17-43093796-C-G. GRCh37 (hg19) VCF-style: chr17-41245813-C-G.
Other names: c.1522G>C, p.Ala508Pro (NM_001407571.1, NM_001407853.1, NM_001407894.1 and 9 more transcripts); c.1735G>C, p.Ala579Pro (NM_001407581.1, NM_001407582.1, NM_001407583.1 and 30 more transcripts); c.1732G>C, p.Ala578Pro (NM_001407587.1, NM_001407590.1, NM_001407591.1 and 22 more transcripts); c.1726G>C, p.Ala576Pro (NM_001407646.1, NM_001407647.1); c.1612G>C, p.Ala538Pro (NM_001407648.1, NM_001407664.1, NM_001407665.1 and 19 more transcripts); c.1609G>C, p.Ala537Pro (NM_001407649.1, NM_001407670.1, NM_001407671.1 and 11 more transcripts); c.1657G>C, p.Ala553Pro (NM_001407653.1, NM_001407654.1, NM_001407655.1 and 4 more transcripts); c.1594G>C, p.Ala532Pro (NM_001407728.1, NM_001407729.1, NM_001407730.1 and 29 more transcripts); and 40 more; short protein forms A467P, A511P, A532P, A552P, A553P, A579P, A451P, A468P.
Identifiers: ClinVar variation 1779064 (VCV001779064.6), dbSNP rs759108406, ClinGen allele CA057482.